The following is an entry in ClinVar:

NM_144687.4(NLRP12):c.1367C>T (p.Pro456Leu)

Gene: NLRP12 (NLR family pyrin domain containing 12; minus strand). Cytogenetic location: 19q13.42.
Variant type: single nucleotide variant.
Coding change: c.1367C>T on transcript NM_144687.4 (MANE Select); coding-DNA position 1367, C replaced by T.
Protein change: p.Pro456Leu; replaces proline 456 with leucine.
Molecular consequence: missense variant.
Genome position (GRCh38, 1-based): chr19:53,810,292, G>A on the plus strand (C>T on the coding strand, the complement: NLRP12 is on the minus strand). VCF-style: chr19-53810292-G-A. GRCh37 (hg19) VCF-style: chr19-54313546-G-A.
Other names: c.1367C>T, p.Pro456Leu (NM_001277126.2, NM_001277129.1); short protein forms P456L.
Identifiers: ClinVar variation 2968141 (VCV002968141.3), dbSNP rs2122666514, ClinGen allele CA407413692.

ClinVar aggregate classification (germline): Uncertain significance (1 of 4 stars; one submission).

Conditions:
Familial cold autoinflammatory syndrome 2 (FCAS2). Identifiers: Orphanet 247868, MedGen C2673198, MONDO:0012724, OMIM 611762.

gnomAD v4.1: 1 of 1,613,974 alleles (0.000062%); highest among the groups gnomAD compares: Non-Finnish European, 0.000085%; no homozygotes.

Submission:

Labcorp Genetics (formerly Invitae), Labcorp
Classification: Uncertain significance for Familial cold autoinflammatory syndrome 2. Last evaluated: 2023-11-13. Review status: criteria provided, single submitter. Criteria: Invitae Variant Classification Sherloc (09022015). Collection method: clinical testing. Allele origin: germline.
Comment: This sequence change replaces proline, which is neutral and non-polar, with leucine, which is neutral and non-polar, at codon 456 of the NLRP12 protein (p.Pro456Leu). This variant is not present in population databases (gnomAD no frequency). This variant has not been reported in the literature in individuals affected with NLRP12-related conditions. Advanced modeling of protein sequence and biophysical properties (such as structural, functional, and spatial information, amino acid conservation, physicochemical variation, residue mobility, and thermodynamic stability) performed at Invitae indicates that this missense variant is not expected to disrupt NLRP12 protein function with a negative predictive value of 80%. In summary, the available evidence is currently insufficient to determine the role of this variant in disease. Therefore, it has been classified as a Variant of Uncertain Significance.